The following is an entry in ClinVar:

NM_004385.5(VCAN):c.5224T>C (p.Ser1742Pro)

Genes: VCAN (versican; plus strand), VCAN-AS1 (VCAN antisense RNA 1; minus strand). Cytogenetic location: 5q14.3.
Variant type: single nucleotide variant.
Coding change: c.5224T>C on transcript NM_004385.5 (MANE Select); coding-DNA position 5224, T replaced by C.
Protein change: p.Ser1742Pro; replaces serine 1742 with proline.
Molecular consequence: missense variant. On other transcripts: intron variant (2).
Genome position (GRCh38, 1-based): chr5:83,538,227, T>C. VCF-style: chr5-83538227-T-C. GRCh37 (hg19) VCF-style: chr5-82834046-T-C.
Other names: c.2263T>C, p.Ser755Pro (NM_001164097.2); c.4004-7310T>C (NM_001164098.2); c.1043-7310T>C (NM_001126336.3); short protein forms S1742P, S755P.
Identifiers: ClinVar variation 1386011 (VCV001386011.6), dbSNP rs1746806312, ClinGen allele CA360309945.

ClinVar aggregate classification (germline): Uncertain significance (1 of 4 stars; one submission).

Allele frequency attached by ClinVar (database versions not stated): gnomAD 0.00001.
gnomAD v4.1: 1 of 1,613,084 alleles (0.000062%); highest among the groups gnomAD compares: Admixed American, 0.0017%; no homozygotes.

Submission:

Labcorp Genetics (formerly Invitae), Labcorp
Classification: Uncertain significance. Last evaluated: 2022-08-16. Review status: criteria provided, single submitter. Criteria: Invitae Variant Classification Sherloc (09022015). Collection method: clinical testing. Allele origin: germline.
Comment: ClinVar contains an entry for this variant (Variation ID: 1386011). This variant has not been reported in the literature in individuals affected with VCAN-related conditions. This variant is not present in population databases (gnomAD no frequency). This sequence change replaces serine, which is neutral and polar, with proline, which is neutral and non-polar, at codon 1742 of the VCAN protein (p.Ser1742Pro). In summary, the available evidence is currently insufficient to determine the role of this variant in disease. Therefore, it has been classified as a Variant of Uncertain Significance. Algorithms developed to predict the effect of missense changes on protein structure and function (SIFT, PolyPhen-2, Align-GVGD) all suggest that this variant is likely to be tolerated.